The following is an entry in ClinVar:

NM_001365999.1(SZT2):c.9617C>T (p.Thr3206Ile)

Genes: SZT2-AS1 (SZT2 antisense RNA 1; minus strand), SZT2 (SZT2 subunit of KICSTOR complex; plus strand). Cytogenetic location: 1p34.2.
Variant type: single nucleotide variant.
Coding change: c.9617C>T on transcript NM_001365999.1 (MANE Select); coding-DNA position 9617, C replaced by T.
Protein change: p.Thr3206Ile; replaces threonine 3206 with isoleucine.
Molecular consequence: missense variant. On other transcripts: non-coding transcript variant (1).
Genome position (GRCh38, 1-based): chr1:43,448,132, C>T. VCF-style: chr1-43448132-C-T. GRCh37 (hg19) VCF-style: chr1-43913803-C-T.
Other names: c.9446C>T, p.Thr3149Ile (NM_015284.4); short protein forms T3149I, T3206I.
Identifiers: ClinVar variation 961050 (VCV000961050.9), dbSNP rs748178811, ClinGen allele CA340043863.

ClinVar aggregate classification (germline): Uncertain significance (1 of 4 stars; one submission).

gnomAD v4.1: 1 of 1,607,498 alleles (0.000062%); no homozygotes.

Submission:

Labcorp Genetics (formerly Invitae), Labcorp
Classification: Uncertain significance. Last evaluated: 2019-11-05. Review status: criteria provided, single submitter. Criteria: Invitae Variant Classification Sherloc (09022015). Collection method: clinical testing. Allele origin: germline.
Comment: This variant is not present in population databases (ExAC no frequency). This sequence change replaces threonine with isoleucine at codon 3149 of the SZT2 protein (p.Thr3149Ile). The threonine residue is highly conserved and there is a moderate physicochemical difference between threonine and isoleucine. This variant has not been reported in the literature in individuals with SZT2-related conditions. Algorithms developed to predict the effect of missense changes on protein structure and function are either unavailable or do not agree on the potential impact of this missense change (SIFT: "Deleterious"; PolyPhen-2: "Probably Damaging"; Align-GVGD: "Class C15"). In summary, the available evidence is currently insufficient to determine the role of this variant in disease. Therefore, it has been classified as a Variant of Uncertain Significance.